The following is an entry in ClinVar:

ClinVar aggregate classification (germline): Likely benign. Review status: criteria provided, multiple submitters, no conflicts (2 of 4 stars). 3 submissions from 3 submitters: Likely benign (3). Last evaluated 2025-08-15.

Allele frequency attached by ClinVar (database versions not stated): ESP Exome Variant Server 0.00039; TOPMed 0.00039; gnomAD 0.00057; 1000 Genomes Project 30x 0.00109; 1000 Genomes Project 0.00140.
gnomAD v4.1: 165 of 1,612,712 alleles (0.01%); highest among the groups gnomAD compares: African/African-American, 0.18%; no homozygotes.

Submissions (3):

Labcorp Genetics (formerly Invitae), Labcorp
Classification: Likely benign. Last evaluated: 2025-08-15. Review status: criteria provided, single submitter. Criteria: Invitae Variant Classification Sherloc (09022015). Collection method: clinical testing. Allele origin: germline.

CeGaT Center for Human Genetics Tuebingen
Classification: Likely benign. Last evaluated: 2024-07-01. Review status: criteria provided, single submitter. Criteria: CeGaT Center For Human Genetics Tuebingen Variant Classification Criteria Version 2. Collection method: clinical testing. Allele origin: germline. Affected: yes. Observed: 1 variant allele.
Comment: MYO15A: BP4, BP7

Blueprint Genetics
Classification: Likely benign. Last evaluated: 2024-03-11. Review status: criteria provided, single submitter. Criteria: ACMG Guidelines, 2015. Collection method: clinical testing. Allele origin: germline.

NM_016239.4(MYO15A):c.9369C>T (p.Asp3123=)

Gene: MYO15A (myosin XVA; plus strand). Cytogenetic location: 17p11.2.
Variant type: single nucleotide variant.
Coding change: c.9369C>T on transcript NM_016239.4 (MANE Select); coding-DNA position 9369, C replaced by T.
Protein change: p.Asp3123=; no amino-acid change (aspartic acid 3123 retained).
Molecular consequence: synonymous variant.
Genome position (GRCh38, 1-based): chr17:18,160,000, C>T. VCF-style: chr17-18160000-C-T. GRCh37 (hg19) VCF-style: chr17-18063314-C-T.
Identifiers: ClinVar variation 739909 (VCV000739909.26), dbSNP rs150889871, ClinGen allele CA8425510.